The following is an entry in ClinVar:

NM_014921.5(ADGRL1):c.1075A>G (p.Asn359Asp)

Genes: ADGRL1 (adhesion G protein-coupled receptor L1; minus strand), ADGRL1-AS1 (ADGRL1 antisense RNA 1; plus strand). Cytogenetic location: 19p13.12.
Variant type: single nucleotide variant.
Coding change: c.1075A>G on transcript NM_014921.5 (MANE Select); coding-DNA position 1075, A replaced by G.
Protein change: p.Asn359Asp; replaces asparagine 359 with aspartic acid.
Molecular consequence: missense variant.
Genome position (GRCh38, 1-based): chr19:14,162,726, T>C on the plus strand (A>G on the coding strand, the complement: ADGRL1 is on the minus strand). VCF-style: chr19-14162726-T-C. GRCh37 (hg19) VCF-style: chr19-14273538-T-C.
Other names: NM_014921.5:c.1075A>G; c.1090A>G, p.Asn364Asp (NM_001008701.3); short protein forms N359D, N364D.
Identifiers: ClinVar variation 4819462 (VCV004819462.1).

ClinVar aggregate classification (germline): Uncertain significance (1 of 4 stars; one submission).

Conditions:
Developmental delay, behavioral abnormalities, and neuropsychiatric disorders (DEDBANP). Identifiers: MedGen C5774224, MONDO:0859292, OMIM 620065.

Submission:

Broad Center for Mendelian Genomics, Broad Institute of MIT and Harvard
Classification: Uncertain significance for Developmental delay, behavioral abnormalities, and neuropsychiatric disorders. Last evaluated: 2026-03-02. Review status: criteria provided, single submitter. Criteria: ACMG Guidelines, 2015. Collection method: research. Allele origin: germline. Inheritance: Autosomal dominant inheritance.
Comment: Trio exome analysis showed this variant to be de novo. The p.Asn359Asp variant in ADGRL1 has not been previously reported in the literature in individuals with neurodevelopmental disorders and was absent from large population studies. Computational prediction tools and conservation analyses suggest that this variant may impact the protein, though this information is not predictive enough to determine pathogenicity. The number of missense variants reported in ADGRL1 in the general population is lower than expected, suggesting there is little benign variation in this gene and slightly increasing the possibility that a missense variant in this gene may not be tolerated. In summary, while there is some suspicion for a pathogenic role, the clinical significance of this variant is uncertain. ACMG/AMP Criteria applied: PP2, PP3, PM2_supporting, PS2_supporting (Richards 2015).